The following is an entry in ClinVar:

ClinVar aggregate classification (germline): Uncertain significance. Review status: criteria provided, multiple submitters, no conflicts (2 of 4 stars). 2 submissions from 2 submitters: Uncertain significance (2). Last evaluated 2023-08-04.

Conditions:
Inborn genetic diseases. Identifiers: MedGen C0950123, MeSH D030342.
Reticular dysgenesis. Also called: ALEUKOCYTOSIS; CONGENITAL ALEUKIA; HEMATOPOIETIC HYPOPLASIA, GENERALIZED; RETICULAR DYSGENESIA; SEVERE COMBINED IMMUNODEFICIENCY WITH LEUKOPENIA; DeVaal disease. Identifiers: Orphanet 33355, MedGen C0272167, MONDO:0009973, OMIM 267500.

Allele frequency attached by ClinVar (database versions not stated): gnomAD exomes below 0.00001; TOPMed below 0.00001.
gnomAD v4.1: 5 of 1,614,184 alleles (0.00031%); highest among the groups gnomAD compares: Non-Finnish European, 0.00042%; no homozygotes.

Submissions (2):

Ambry Genetics
Classification: Uncertain significance for Inborn genetic diseases. Last evaluated: 2023-08-04. Review status: criteria provided, single submitter. Criteria: Ambry Variant Classification Scheme 2023. Collection method: clinical testing. Allele origin: germline.

Labcorp Genetics (formerly Invitae), Labcorp
Classification: Uncertain significance for Reticular dysgenesis. Last evaluated: 2023-07-10. Review status: criteria provided, single submitter. Criteria: Invitae Variant Classification Sherloc (09022015). Collection method: clinical testing. Allele origin: germline.
Comment: In summary, the available evidence is currently insufficient to determine the role of this variant in disease. Therefore, it has been classified as a Variant of Uncertain Significance. An algorithm developed to predict the effect of missense changes on protein structure and function (PolyPhen-2) suggests that this variant is likely to be disruptive. ClinVar contains an entry for this variant (Variation ID: 1488022). This variant has not been reported in the literature in individuals affected with AK2-related conditions. This variant is not present in population databases (gnomAD no frequency). This sequence change replaces alanine, which is neutral and non-polar, with threonine, which is neutral and polar, at codon 212 of the AK2 protein (p.Ala212Thr).

NM_001625.4(AK2):c.634G>A (p.Ala212Thr)

Gene: AK2 (adenylate kinase 2; minus strand). Cytogenetic location: 1p35.1.
Variant type: single nucleotide variant.
Coding change: c.634G>A on transcript NM_001625.4 (MANE Select); coding-DNA position 634, G replaced by A.
Protein change: p.Ala212Thr; replaces alanine 212 with threonine.
Molecular consequence: missense variant. On other transcripts: 3 prime UTR variant (1), non-coding transcript variant (1).
Genome position (GRCh38, 1-based): chr1:33,013,267, C>T on the plus strand (G>A on the coding strand, the complement: AK2 is on the minus strand). VCF-style: chr1-33013267-C-T. GRCh37 (hg19) VCF-style: chr1-33478868-C-T.
Other names: c.610G>A, p.Ala204Thr (NM_001199199.3); c.490G>A, p.Ala164Thr (NM_001319139.3, NM_001319140.2); c.634G>A, p.Ala212Thr (NM_001319141.3, NM_013411.5); c.508G>A, p.Ala170Thr (NM_001319142.3); c.*137G>A (NM_001319143.2); c.634G>A (NM_001625.3); short protein forms A164T, A204T, A170T, A212T.
Identifiers: ClinVar variation 1488022 (VCV001488022.10), dbSNP rs1638952544, ClinGen allele CA339699180.
Genomic context (GRCh38, chr1:33,013,267, plus strand): 5'-ATGTGGCTTTGGAGAAGGCTGCTAGGATGCTTGCGAACACGACATCGGGGGTCTGGGATG[C>T]ATCGATGGCGGAGTGGATCCCCCGTTTCCTGTAGTACTCTATGAGTGGGGTGGTTTGAGT-3'
Protein context (NP_001616.1, residues 202-222): RKRGIHSAID[Ala212Thr]SQTPDVVFAS